The following is an entry in ClinVar:

ClinVar aggregate classification (germline): Pathogenic (1 of 4 stars; one submission).

Conditions:
Hereditary breast ovarian cancer syndrome. Also called: Hereditary breast and ovarian cancer syndrome; Hereditary breast and/or ovarian cancer syndrome; Hereditary breast and ovarian cancer; Breast and ovarian cancer; Hereditary breast and ovarian cancer syndrome (HBOC); BRCA1- and BRCA2-Associated Hereditary Breast and Ovarian Cancer. Identifiers: Orphanet 145, MedGen C0677776, MeSH D061325, MONDO:0003582. Disease mechanism: loss of function.

Submission:

Labcorp Genetics (formerly Invitae), Labcorp
Classification: Pathogenic for Hereditary breast ovarian cancer syndrome. Last evaluated: 2024-08-21. Review status: criteria provided, single submitter. Criteria: Invitae Variant Classification Sherloc (09022015). Collection method: clinical testing. Allele origin: germline.
Comment: This sequence change creates a premature translational stop signal (p.Glu1441Serfs*7) in the BRCA2 gene. It is expected to result in an absent or disrupted protein product. Loss-of-function variants in BRCA2 are known to be pathogenic (PMID: 20104584). This variant is not present in population databases (gnomAD no frequency). This variant has not been reported in the literature in individuals affected with BRCA2-related conditions. For these reasons, this variant has been classified as Pathogenic.

Literature cited by the submitters: PubMed 20104584.

NM_000059.4(BRCA2):c.4320del (p.Glu1441fs)

Gene: BRCA2 (BRCA2 DNA repair associated; plus strand). Cytogenetic location: 13q13.1.
Variant type: Deletion.
Coding change: c.4320del on transcript NM_000059.4 (MANE Select); coding-DNA position 4320, one base deleted (A; older notation c.4320delA).
Protein change: p.Glu1441fs; shifts the reading frame from glutamic acid 1441.
Molecular consequence: frameshift variant. On other transcripts: non-coding transcript variant (1), intron variant (2).
Genome position (GRCh38, 1-based): chr13:32,338,675, A deleted; the last of 3 consecutive A bases (chr13:32,338,673-32,338,675); deleting any one gives the same sequence. VCF-style (leftmost placement, unchanged base first): chr13-32338672-CA-C. GRCh37 (hg19) VCF-style: chr13-32912809-CA-C.
Other names: c.4320del, p.Glu1441fs (NM_001406719.1, NM_001406720.1, NM_001432077.1); c.1909+5288del (NM_001406721.1); c.425-5883del (NM_001406722.1); short protein forms E1441fs.
Identifiers: ClinVar variation 3663151 (VCV003663151.2).